The following is an entry in ClinVar:

ClinVar aggregate classification (germline): Uncertain significance. Review status: criteria provided, multiple submitters, no conflicts (2 of 4 stars). 2 submissions from 2 submitters: Uncertain significance (2). Last evaluated 2026-04-27.

Conditions:
Cardiovascular phenotype. Identifiers: MedGen CN230736.

Allele frequency attached by ClinVar (database versions not stated): TOPMed 0.00001; gnomAD 0.00003; 1000 Genomes Project 30x 0.00042.
gnomAD v4.1: 31 of 1,206,371 alleles (0.0026%); highest among the groups gnomAD compares: Non-Finnish European, 0.0035%; no homozygotes.

Submissions (2):

Women's Health and Genetics/Laboratory Corporation of America, LabCorp
Classification: Uncertain significance. Last evaluated: 2026-04-27. Review status: criteria provided, single submitter. Criteria: LabCorp Variant Classification Summary - May 2015. Collection method: clinical testing. Allele origin: germline.

Ambry Genetics
Classification: Uncertain significance for Cardiovascular phenotype. Last evaluated: 2025-08-07. Review status: criteria provided, single submitter. Criteria: Ambry Variant Classification Scheme 2023. Collection method: clinical testing. Allele origin: germline.
Comment: The p.K102R variant (also known as c.305A>G), located in coding exon 2 of the FHL1 gene, results from an A to G substitution at nucleotide position 305. The lysine at codon 102 is replaced by arginine, an amino acid with highly similar properties. Based on data from gnomAD, the G allele has an overall frequency of 0.0006% (1/180663) total alleles studied, with 0 hemizygote(s) observed. The highest observed frequency was 0.0012% (1/80430) of European (non-Finnish) alleles. This amino acid position is not well conserved in available vertebrate species. In addition, this alteration is predicted to be tolerated by in silico analysis. Based on the available evidence, the clinical significance of this variant remains unclear.

NM_001159699.2(FHL1):c.353A>G (p.Lys118Arg)

Gene: FHL1 (four and a half LIM domains 1; plus strand). Cytogenetic location: Xq26.3.
Variant type: single nucleotide variant.
Coding change: c.353A>G on transcript NM_001159699.2 (MANE Select); coding-DNA position 353, A replaced by G.
Protein change: p.Lys118Arg; replaces lysine 118 with arginine.
Molecular consequence: missense variant. On other transcripts: non-coding transcript variant (1).
Genome position (GRCh38, 1-based): chrX:136,207,164, A>G. VCF-style: chrX-136207164-A-G. GRCh37 (hg19) VCF-style: chrX-135289323-A-G.
Other names: c.305A>G, p.Lys102Arg (NM_001159700.2, NM_001159702.3, NM_001159703.2 and 9 more transcripts); c.392A>G, p.Lys131Arg (NM_001159701.2); c.353A>G, p.Lys118Arg (NM_001330659.2); short protein forms K118R, K102R, K131R.
Identifiers: ClinVar variation 2450874 (VCV002450874.4), dbSNP rs1311888697, ClinGen allele CA414608217.